The following is an entry in ClinVar:

ClinVar aggregate classification (germline): Likely pathogenic (1 of 4 stars; one submission).

Conditions:
BAP1-related tumor predisposition syndrome (TPDS1). Also called: Tumor susceptibility linked to germline BAP1 mutations; BAP1 tumor predisposition syndrome; COMMON Syndrome; TUMOR PREDISPOSITION SYNDROME 1. Identifiers: Orphanet 289539, MedGen C3280492, MONDO:0013692, OMIM 614327.

Submission:

Labcorp Genetics (formerly Invitae), Labcorp
Classification: Likely pathogenic for BAP1-related tumor predisposition syndrome. Last evaluated: 2026-01-20. Review status: criteria provided, single submitter. Criteria: Invitae Variant Classification Sherloc (09022015). Collection method: clinical testing. Allele origin: germline.
Comment: This sequence change affects an acceptor splice site in intron 15 of the BAP1 gene. It is expected to disrupt RNA splicing. Variants that disrupt the donor or acceptor splice site typically lead to a loss of protein function (PMID: 16199547), and loss-of-function variants in BAP1 are known to be pathogenic (PMID: 21874000, 23684012). This variant is not present in population databases (gnomAD no frequency). This variant has not been reported in the literature in individuals affected with BAP1-related conditions. Algorithms developed to predict the effect of sequence changes on RNA splicing suggest that this variant may disrupt the consensus splice site. In summary, the currently available evidence indicates that the variant is pathogenic, but additional data are needed to prove that conclusively. Therefore, this variant has been classified as Likely Pathogenic.

Literature cited by the submitters: PubMed 16199547; PubMed 21874000; PubMed 23684012.

NM_004656.4(BAP1):c.1984-2A>T

Gene: BAP1 (BRCA1 associated deubiquitinase 1; minus strand). Cytogenetic location: 3p21.1.
Variant type: single nucleotide variant.
Coding change: c.1984-2A>T on transcript NM_004656.4 (MANE Select); the canonical splice acceptor site of the intron before coding-DNA position 1984, A replaced by T.
Molecular consequence: splice acceptor variant.
Genome position (GRCh38, 1-based): chr3:52,402,676, T>A on the plus strand (A>T on the coding strand, the complement: BAP1 is on the minus strand). VCF-style: chr3-52402676-T-A. GRCh37 (hg19) VCF-style: chr3-52436692-T-A.
Other names: c.1930-2A>T (NM_001410772.1).
Identifiers: ClinVar variation 4732844 (VCV004732844.1).
Genomic context (GRCh38, chr3:52,402,676, plus strand): 5'-ATGGAGATAAAGGTGCAGATGAACTCATCGTAGTTGTGGGTCCTTCTCTGGTCATCAATC[T>A]GTAGGAGAGAAGAAGACTGAGAGCACTGGAGCCAATCTTGCCAGAGCAGCCACCAGTGGA-3'